The following is an entry in ClinVar:

NM_006393.3(NEBL):c.1861A>G (p.Ile621Val)

Gene: NEBL (nebulette; minus strand). Cytogenetic location: 10p12.31.
Variant type: single nucleotide variant.
Coding change: c.1861A>G on transcript NM_006393.3 (MANE Select); coding-DNA position 1861, A replaced by G.
Protein change: p.Ile621Val; replaces isoleucine 621 with valine.
Molecular consequence: missense variant. On other transcripts: intron variant (9).
Genome position (GRCh38, 1-based): chr10:20,826,455, T>C on the plus strand (A>G on the coding strand, the complement: NEBL is on the minus strand). VCF-style: chr10-20826455-T-C. GRCh37 (hg19) VCF-style: chr10-21115384-T-C.
Other names: p.I621V:ATT>GTT; c.250-13515A>G (NM_001377326.1, NM_001377327.1, NM_001377328.1); c.358-13515A>G (NM_213569.2, NM_001173484.2, NM_001377322.1); c.301-13515A>G (NM_001377324.1); c.292-13515A>G (NM_001377325.1); c.310-13515A>G (NM_001377323.1); short protein forms I621V.
Identifiers: ClinVar variation 45487 (VCV000045487.20), dbSNP rs79718972, ClinGen allele CA136414.
Genomic context (GRCh38, chr10:20,826,455, plus strand): 5'-TATAGTTTTGGTTTGCTTTTAGAAAAGATAATTAATGCTGTAGAGAACTTACTGAACTAA[T>C]ATTCTGCTGATTTTTCTTCACTCGTTCGATCTCTGGGCTATCTTTCACTGCAGTGCCAGC-3'
Protein context (NP_006384.1, residues 611-631): IERVKKNQQN[Ile621Val]SSVKYKEEIK

ClinVar aggregate classification (germline): Benign/Likely benign. Review status: criteria provided, multiple submitters, no conflicts (2 of 4 stars). 6 submissions from 6 submitters: Benign (4); Likely benign (1). 1 of the submissions does not count toward it. Last evaluated 2026-01-26.

Conditions:
NEBL-related disorder. Also called: NEBL-related condition.
Primary dilated cardiomyopathy (DCM). Also called: Dilated Cardiomyopathy. Identifiers: Orphanet 217604, MedGen C0007193, MeSH D002311, MONDO:0005021, HP:0001644. Inheritance: Various modes of inheritance.

Allele frequency attached by ClinVar (database versions not stated): gnomAD exomes 0.00043 and 0.00124; ExAC 0.00149; 1000 Genomes Project 30x 0.00453; 1000 Genomes Project 0.00459; gnomAD 0.00500 and 0.00532; TOPMed 0.00531; ESP Exome Variant Server 0.00577.
gnomAD v4.1: 1,394 of 1,609,382 alleles (0.087%); highest among the groups gnomAD compares: African/African-American, 1.7%; 14 homozygotes.

Submissions (7):

Labcorp Genetics (formerly Invitae), Labcorp
Classification: Benign for Primary dilated cardiomyopathy. Last evaluated: 2026-01-26. Review status: criteria provided, single submitter. Criteria: Invitae Variant Classification Sherloc (09022015). Collection method: clinical testing. Allele origin: germline.

Women's Health and Genetics/Laboratory Corporation of America, LabCorp
Classification: Likely benign. Last evaluated: 2023-04-26. Review status: criteria provided, single submitter. Criteria: LabCorp Variant Classification Summary - May 2015. Collection method: clinical testing. Allele origin: germline.

GeneDx
Classification: Benign. Last evaluated: 2014-04-28. Review status: criteria provided, single submitter. Criteria: GeneDx Variant Classification (06012015). Collection method: clinical testing. Allele origin: germline. Affected: yes.
Comment: This variant is considered likely benign or benign based on one or more of the following criteria: it is a conservative change, it occurs at a poorly conserved position in the protein, it is predicted to be benign by multiple in silico algorithms, and/or has population frequency not consistent with disease.

Laboratory for Molecular Medicine, Mass General Brigham Personalized Medicine
Classification: Benign. Last evaluated: 2012-03-19. Review status: criteria provided, single submitter. Criteria: LMM Criteria. Collection method: clinical testing. Allele origin: germline. Observed: 8 variant alleles.
Comment: p.Ile621Val in Exon 18 of NEBL: This variant is not expected to have clinical si gnificance because it has been identified in 1.8% (66/3738) of African American chromosomes from a broad population by the NHLBI Exome Sequencing Project (dbSNP rs79718972).

Breakthrough Genomics
Classification: Benign. Review status: criteria provided, single submitter. Criteria: ACMG Guidelines, 2015. Collection method: not provided. Allele origin: germline. Inheritance: Unknown mechanism. Affected: yes.

PreventionGenetics, part of Exact Sciences
Classification: Benign for NEBL-related condition. Last evaluated: 2019-02-21. Review status: no assertion criteria provided. Collection method: clinical testing. Allele origin: germline. Not counted in ClinVar's aggregate classification.
Comment: This variant is classified as benign based on ACMG/AMP sequence variant interpretation guidelines (Richards et al. 2015 PMID: 25741868, with internal and published modifications).

Dr. Peter K. Rogan Lab, Western University
No classification provided (evidence only). Condition: Thyroid cancer, nonmedullary, 1. Review status: no classification provided. Collection method: in vitro. Allele origin: not applicable. Functional consequence: skipped exon, retained intron. Not counted in ClinVar's aggregate classification.